The following is an entry in ClinVar:

ClinVar aggregate classification (germline): Uncertain significance (1 of 4 stars; one submission).

Submission:

Labcorp Genetics (formerly Invitae), Labcorp
Classification: Uncertain significance. Last evaluated: 2022-06-24. Review status: criteria provided, single submitter. Criteria: Invitae Variant Classification Sherloc (09022015). Collection method: clinical testing. Allele origin: germline.
Comment: This variant, c.898_906del, results in the deletion of 3 amino acid(s) of the TET2 protein (p.Asp300_Asp302del), but otherwise preserves the integrity of the reading frame. This variant is not present in population databases (gnomAD no frequency). This variant has not been reported in the literature in individuals affected with TET2-related conditions. Experimental studies and prediction algorithms are not available or were not evaluated, and the functional significance of this variant is currently unknown. In summary, the available evidence is currently insufficient to determine the role of this variant in disease. Therefore, it has been classified as a Variant of Uncertain Significance.

NM_001127208.3(TET2):c.889GATGCTGAT[1] (p.297DAD[1])

Genes: TET2 (tet methylcytosine dioxygenase 2; plus strand), TET2-AS1 (TET2 antisense RNA 1; minus strand). Cytogenetic location: 4q24.
Variant type: Microsatellite.
Coding change: c.889GATGCTGAT[1] on transcript NM_001127208.3 (MANE Select); one copy of the 9-base unit GATGCTGAT starting at c.889; the reference has two copies in a row; one copy, 9 bases deleted.
Protein change: p.297DAD[1].
Molecular consequence: inframe deletion.
Genome position (GRCh38, 1-based): chr4:105,234,840-105,234,848, GATGCTGAT deleted; deleting any 9 consecutive bases within chr4:105,234,830-105,234,848 gives the same sequence; the position shown is the placement nearest the transcript's 3' end. VCF-style (leftmost placement, unchanged base first): chr4-105234829-GTGATGCTGA-G. GRCh37 (hg19) VCF-style: chr4-106155986-GTGATGCTGA-G.
Other names: c.889GATGCTGAT[1], p.297DAD[1] (NM_017628.4).
Identifiers: ClinVar variation 2010325 (VCV002010325.4), dbSNP rs1578671251, ClinGen allele CA917270190.